The following is an entry in ClinVar:

NM_018368.4(LMBRD1):c.1339-1G>T

Gene: LMBRD1 (LMBR1 domain containing 1; minus strand). Cytogenetic location: 6q13.
Variant type: single nucleotide variant.
Coding change: c.1339-1G>T on transcript NM_018368.4 (MANE Select); the canonical splice acceptor site of the intron before coding-DNA position 1339, G replaced by T.
Molecular consequence: splice acceptor variant.
Genome position (GRCh38, 1-based): chr6:69,697,642, C>A on the plus strand (G>T on the coding strand, the complement: LMBRD1 is on the minus strand). VCF-style: chr6-69697642-C-A. GRCh37 (hg19) VCF-style: chr6-70407534-C-A.
Other names: c.1120-1G>T (NM_001367272.1, NM_001367271.1, NM_001363722.2).
Identifiers: ClinVar variation 1323238 (VCV001323238.8), dbSNP rs768709895, ClinGen allele CA3879594.

ClinVar aggregate classification (germline): Pathogenic/Likely pathogenic. Review status: criteria provided, multiple submitters, no conflicts (2 of 4 stars). 2 submissions from 2 submitters: Pathogenic (1); Likely pathogenic (1). Last evaluated 2023-11-14.

Conditions:
Methylmalonic aciduria and homocystinuria type cblF. Also called: METHYLMALONIC ACIDEMIA AND HOMOCYSTINURIA, cblF TYPE; METHYLMALONIC ACIDURIA DUE TO VITAMIN B12-RELEASE DEFECT; COBALAMIN F DISEASE; COBALAMIN, DEFECT IN LYSOSOMAL RELEASE OF; VITAMIN B12 LYSOSOMAL RELEASE DEFECT; VITAMIN B12 STORAGE DISEASE. Identifiers: Orphanet 79284, MedGen C1848578, MONDO:0010183, OMIM 277380.

Allele frequency attached by ClinVar (database versions not stated): ExAC 0.00001; gnomAD exomes 0.00001 and 0.00004; gnomAD 0.00002.
gnomAD v4.1: 56 of 1,548,720 alleles (0.0036%); highest among the groups gnomAD compares: Non-Finnish European, 0.0049%; no homozygotes.

Submissions (2):

Labcorp Genetics (formerly Invitae), Labcorp
Classification: Likely pathogenic for Methylmalonic aciduria and homocystinuria type cblF. Last evaluated: 2023-11-14. Review status: criteria provided, single submitter. Criteria: Invitae Variant Classification Sherloc (09022015). Collection method: clinical testing. Allele origin: germline.
Comment: This sequence change affects an acceptor splice site in intron 13 of the LMBRD1 gene. RNA analysis indicates that disruption of this splice site induces altered splicing and may result in an absent or disrupted protein product. This variant is present in population databases (rs768709895, gnomAD 0.002%). Disruption of this splice site has been observed in individual(s) with combined methylmalonic acidemia and hyperhomocysteinemia (PMID: 21303734). ClinVar contains an entry for this variant (Variation ID: 1323238). Studies have shown that disruption of this splice site results in skipping of exon 14 and introduces a premature termination codon (PMID: 21303734). The resulting mRNA is expected to undergo nonsense-mediated decay. In summary, the currently available evidence indicates that the variant is pathogenic, but additional data are needed to prove that conclusively. Therefore, this variant has been classified as Likely Pathogenic.

Revvity Omics, Revvity
Classification: Pathogenic for Methylmalonic aciduria and homocystinuria type cblF. Last evaluated: 2019-08-23. Review status: criteria provided, single submitter. Criteria: ACMG Guidelines, 2015. Collection method: clinical testing. Allele origin: germline.

Literature cited by the submitters: PubMed 21303734 (cited by Labcorp Genetics (formerly Invitae), Labcorp).